The following is an entry in ClinVar:

ClinVar aggregate classification (germline): Likely benign (1 of 4 stars; one submission).

Allele frequency attached by ClinVar (database versions not stated): ESP Exome Variant Server 0.00008; 1000 Genomes Project 30x 0.00016; 1000 Genomes Project 0.00020; ExAC 0.00034.
gnomAD v4.1: 248 of 1,577,054 alleles (0.016%); highest among the groups gnomAD compares: Non-Finnish European, 0.013%; no homozygotes.

Submission:

CeGaT Center for Human Genetics Tuebingen
Classification: Likely benign. Last evaluated: 2022-11-01. Review status: criteria provided, single submitter. Criteria: CeGaT Center For Human Genetics Tuebingen Variant Classification Criteria Version 2. Collection method: clinical testing. Allele origin: germline. Affected: yes. Observed: 1 variant allele.
Comment: ATP12A: BP4, BP7

NM_001676.7(ATP12A):c.432C>T (p.Asn144=)

Gene: ATP12A (ATPase H+/K+ transporting non-gastric alpha2 subunit; plus strand). Cytogenetic location: 13q12.12.
Variant type: single nucleotide variant.
Coding change: c.432C>T on transcript NM_001676.7 (MANE Select); coding-DNA position 432, C replaced by T.
Protein change: p.Asn144=; no amino-acid change (asparagine 144 retained).
Molecular consequence: synonymous variant.
Genome position (GRCh38, 1-based): chr13:24,688,522, C>T. VCF-style: chr13-24688522-C-T. GRCh37 (hg19) VCF-style: chr13-25262660-C-T.
Other names: c.432C>T, p.Asn144= (NM_001185085.2).
Identifiers: ClinVar variation 2643693 (VCV002643693.24), dbSNP rs199568379, ClinGen allele CA6916837.
Genomic context (GRCh38, chr13:24,688,522, plus strand): 5'-TCTCTGTTGGATTGCATATGGGATTCAGTACTCCAGCGACAAGTCTGCATCCCTGAACAA[C>T]GTAAGGCTCTGGGGTGTCCCCTCCTGGTTTTGCTGGCAGAGCCATCCAGTGAGGCCTTGG-3'
Protein context (NP_001667.4, residues 134-154): YSSDKSASLN[Asn144=]VYLGCVLGLV